The following is an entry in ClinVar:

ClinVar aggregate classification (germline): Likely pathogenic (1 of 4 stars; one submission).

Conditions:
Retinitis pigmentosa 93. Identifiers: MedGen C5676970, MONDO:0030797, OMIM 619845.
COACH syndrome 2. Identifiers: MedGen C5436837, MONDO:0030859, OMIM 619111.
Joubert syndrome 9 (JBTS9). Identifiers: Orphanet 2318, MedGen C2676788, MONDO:0012849, OMIM 612285.
Meckel syndrome, type 6. Identifiers: Orphanet 564, MedGen C2676790, MONDO:0012848, OMIM 612284.

Submission:

Juno Genomics, Hangzhou Juno Genomics, Inc
Classification: Likely pathogenic for COACH syndrome 2; Joubert syndrome 9; Meckel syndrome, type 6; Retinitis pigmentosa 93. Review status: criteria provided, single submitter. Criteria: ACMG Guidelines, 2015. Collection method: clinical testing. Allele origin: germline.
Comment: Null variant in a gene where loss of function (LOF) is a known mechanism of disease.;Absent from controls (or at extremely low frequency if recessive) in Genome Aggregation Database.

NM_001378615.1(CC2D2A):c.2693del (p.Asn898fs)

Genes: CC2D2A (coiled-coil and C2 domain containing 2A; plus strand), FBXL5 (F-box and leucine rich repeat protein 5; minus strand). Cytogenetic location: 4p15.32.
Variant type: Deletion.
Coding change: c.2693del on transcript NM_001378615.1 (MANE Select); coding-DNA position 2693, one base deleted (A; older notation c.2693delA).
Protein change: p.Asn898fs; shifts the reading frame from asparagine 898.
Molecular consequence: frameshift variant.
Genome position (GRCh38, 1-based): chr4:15,557,371, A deleted; the last of 2 consecutive A bases (chr4:15,557,370-15,557,371); deleting either gives the same sequence. VCF-style (leftmost placement, unchanged base first): chr4-15557369-TA-T. GRCh37 (hg19) VCF-style: chr4-15558992-TA-T.
Other names: c.2693del, p.Asn898fs (NM_001080522.2); c.2546del, p.Asn849fs (NM_001378617.1); short protein forms N849fs, N898fs.
Identifiers: ClinVar variation 5006741 (VCV005006741.2).